The following is an entry in ClinVar:

ClinVar aggregate classification (germline): Uncertain significance. Review status: criteria provided, multiple submitters, no conflicts (2 of 4 stars). 2 submissions from 2 submitters: Uncertain significance (2). Last evaluated 2024-05-02.

Allele frequency attached by ClinVar (database versions not stated): gnomAD 0.00001; gnomAD exomes 0.00001; ExAC 0.00002; TOPMed 0.00002.
gnomAD v4.1: 12 of 1,611,804 alleles (0.00074%); highest among the groups gnomAD compares: South Asian, 0.0022%; no homozygotes.

Submissions (2):

Ambry Genetics
Classification: Uncertain significance. Last evaluated: 2024-05-02. Review status: criteria provided, single submitter. Criteria: Ambry Variant Classification Scheme 2023. Collection method: clinical testing. Allele origin: germline.

Labcorp Genetics (formerly Invitae), Labcorp
Classification: Uncertain significance. Last evaluated: 2022-08-20. Review status: criteria provided, single submitter. Criteria: Invitae Variant Classification Sherloc (09022015). Collection method: clinical testing. Allele origin: germline.
Comment: In summary, the available evidence is currently insufficient to determine the role of this variant in disease. Therefore, it has been classified as a Variant of Uncertain Significance. Algorithms developed to predict the effect of missense changes on protein structure and function are either unavailable or do not agree on the potential impact of this missense change (SIFT: "Tolerated"; PolyPhen-2: "Probably Damaging"; Align-GVGD: "Class C0"). This variant has not been reported in the literature in individuals affected with CCDC88A-related conditions. This variant is present in population databases (rs754636259, gnomAD 0.003%). This sequence change replaces arginine, which is basic and polar, with glutamine, which is neutral and polar, at codon 316 of the CCDC88A protein (p.Arg316Gln).

NM_001365480.1(CCDC88A):c.947G>A (p.Arg316Gln)

Gene: CCDC88A (coiled-coil domain containing 88A; minus strand). Cytogenetic location: 2p16.1.
Variant type: single nucleotide variant.
Coding change: c.947G>A on transcript NM_001365480.1 (MANE Select); coding-DNA position 947, G replaced by A.
Protein change: p.Arg316Gln; replaces arginine 316 with glutamine.
Molecular consequence: missense variant.
Genome position (GRCh38, 1-based): chr2:55,346,269, C>T on the plus strand (G>A on the coding strand, the complement: CCDC88A is on the minus strand). VCF-style: chr2-55346269-C-T. GRCh37 (hg19) VCF-style: chr2-55573405-C-T.
Other names: c.947G>A, p.Arg316Gln (NM_001135597.2, NM_001254943.2, NM_018084.5); short protein forms R316Q.
Identifiers: ClinVar variation 1989363 (VCV001989363.3), dbSNP rs754636259, ClinGen allele CA1666246.